The following is an entry in ClinVar:

NM_033109.5(PNPT1):c.2149-11T>G

Gene: PNPT1 (polyribonucleotide nucleotidyltransferase 1; minus strand). Cytogenetic location: 2p16.1.
Variant type: single nucleotide variant.
Coding change: c.2149-11T>G on transcript NM_033109.5 (MANE Select); 11 bases into the intron before coding-DNA position 2149, T replaced by G.
Molecular consequence: intron variant.
Genome position (GRCh38, 1-based): chr2:55,637,610, A>C on the plus strand (T>G on the coding strand, the complement: PNPT1 is on the minus strand). VCF-style: chr2-55637610-A-C. GRCh37 (hg19) VCF-style: chr2-55864745-A-C.
Identifiers: ClinVar variation 378407 (VCV000378407.10), dbSNP rs138300494, ClinGen allele CA1667771.
Genomic context (GRCh38, chr2:55,637,610, plus strand): 5'-ACCTGAATTTCTTGGCCAACTTCTAATCCTAGGGCAGTAGGATGTTTAATCTGGAAAAAA[A>C]AATGTTAATCTATTAGTTGTTGTGCATAATTATGTAGTGTCCATGGAAGTACACATTTTT-3'

ClinVar aggregate classification (germline): Likely benign. Review status: criteria provided, multiple submitters, no conflicts (2 of 4 stars). 3 submissions from 3 submitters: Likely benign (3). Last evaluated 2025-10-28.

Allele frequency attached by ClinVar (database versions not stated): ExAC 0.00004; ESP Exome Variant Server 0.00023; TOPMed 0.00030; 1000 Genomes Project 30x 0.00031; gnomAD 0.00033 and 0.00036; 1000 Genomes Project 0.00040.
gnomAD v4.1: 104 of 1,592,464 alleles (0.0065%); highest among the groups gnomAD compares: African/African-American, 0.11%; no homozygotes.

Submissions (3):

Labcorp Genetics (formerly Invitae), Labcorp
Classification: Likely benign. Last evaluated: 2025-10-28. Review status: criteria provided, single submitter. Criteria: Invitae Variant Classification Sherloc (09022015). Collection method: clinical testing. Allele origin: germline.

Blueprint Genetics
Classification: Likely benign. Last evaluated: 2024-06-24. Review status: criteria provided, single submitter. Criteria: ACMG Guidelines, 2015. Collection method: clinical testing. Allele origin: germline.

GeneDx
Classification: Likely benign. Last evaluated: 2016-08-03. Review status: criteria provided, single submitter. Criteria: GeneDx Variant Classification (06012015). Collection method: clinical testing. Allele origin: germline. Affected: yes.
Comment: This variant is considered likely benign or benign based on one or more of the following criteria: it is a conservative change, it occurs at a poorly conserved position in the protein, it is predicted to be benign by multiple in silico algorithms, and/or has population frequency not consistent with disease.